The following is an entry in ClinVar:

ClinVar aggregate classification (germline): Likely pathogenic (1 of 4 stars; one submission).

Conditions:
MC4R-related disorder. Also called: MC4R-related condition.

Submission:

PreventionGenetics, part of Exact Sciences
Classification: Likely pathogenic for MC4R-related condition. Last evaluated: 2025-05-15. Review status: criteria provided, single submitter. Criteria: ACMG Guidelines, 2015. Collection method: clinical testing. Allele origin: germline.
Comment: The MC4R c.93dupT variant is predicted to result in a frameshift and premature protein termination (p.Gly32Trpfs*6). To our knowledge, this variant has not been reported in the literature or in a large population database (gnomAD), indicating this variant is rare. Frameshift variants in MC4R are expected to be pathogenic. This variant is interpreted as likely pathogenic.

NM_005912.3(MC4R):c.93dup (p.Gly32fs)

Gene: MC4R (melanocortin 4 receptor; minus strand). Cytogenetic location: 18q21.32.
Variant type: Duplication.
Coding change: c.93dup on transcript NM_005912.3 (MANE Select); coding-DNA position 93, one base duplicated (T; older notation c.93dupT).
Protein change: p.Gly32fs; shifts the reading frame from glycine 32.
Molecular consequence: frameshift variant.
Genome position (GRCh38, 1-based): chr18:60,372,257, A duplicated on the plus strand (T on the coding strand, the reverse complement: MC4R is on the minus strand); the first of 2 consecutive A bases (chr18:60,372,257-60,372,258); duplicating either gives the same sequence. VCF-style (leftmost placement, unchanged base first): chr18-60372256-C-CA. GRCh37 (hg19) VCF-style: chr18-58039489-C-CA.
Other names: short protein forms G32fs.
Identifiers: ClinVar variation 5001929 (VCV005001929.1).